The following is an entry in ClinVar:

ClinVar aggregate classification (germline): Conflicting classifications of pathogenicity. Review status: criteria provided, conflicting classifications (1 of 4 stars). 5 submissions from 5 submitters: Uncertain significance (3); Likely benign (1). 1 of the submissions does not count toward it. Last evaluated 2025-12-15.

Conditions:
Inborn genetic diseases. Identifiers: MedGen C0950123, MeSH D030342.
Alpha thalassemia-X-linked intellectual disability syndrome (ATRX). Also called: ALPHA-THALASSEMIA/MENTAL RETARDATION SYNDROME, X-LINKED; ATR, NONDELETION TYPE; ATR-X syndrome; Alpha thalassemia mental retardation syndrome, nondeletion type, X-linked; XLMR hypotonic face syndrome; X-linked alpha-thalassemia-mental retardation syndrome. Identifiers: Orphanet 847, MedGen C1845055, MONDO:0010519, OMIM 301040.

Allele frequency attached by ClinVar (database versions not stated): gnomAD exomes 0.00001.
gnomAD v4.1: 6 of 1,206,471 alleles (0.0005%); highest among the groups gnomAD compares: Non-Finnish European, 0.00067%; no homozygotes.

Submissions (5):

Ambry Genetics
Classification: Uncertain significance for Inborn genetic diseases. Last evaluated: 2025-12-15. Review status: criteria provided, single submitter. Criteria: Ambry Variant Classification Scheme 2023. Collection method: clinical testing. Allele origin: germline.

Labcorp Genetics (formerly Invitae), Labcorp
Classification: Likely benign for Alpha thalassemia-X-linked intellectual disability syndrome. Last evaluated: 2023-09-17. Review status: criteria provided, single submitter. Criteria: Invitae Variant Classification Sherloc (09022015). Collection method: clinical testing. Allele origin: germline.

Institute for Medical Genetics and Human Genetics, Charité - Universitätsmedizin Berlin
Classification: Uncertain significance for Alpha thalassemia-X-linked intellectual disability syndrome. Last evaluated: 2022-09-27. Review status: criteria provided, single submitter. Criteria: ACMG Guidelines, 2015. Collection method: clinical testing. Allele origin: germline. Inheritance: X-linked inheritance. Affected: yes. Observed: 1 hemizygote.

Greenwood Genetic Center Diagnostic Laboratories, Greenwood Genetic Center
Classification: Uncertain significance. Last evaluated: 2020-11-02. Review status: criteria provided, single submitter. Criteria: ACMG Guidelines, 2015. Collection method: clinical testing. Allele origin: germline. Affected: yes.
Comment: PP3, PM2

Natera, Inc.
Classification: Uncertain significance for X-linked alpha-thalassemia-mental retardation syndrome. Last evaluated: 2020-04-11. Review status: no assertion criteria provided. Collection method: clinical testing. Allele origin: germline. Not counted in ClinVar's aggregate classification.

NM_000489.6(ATRX):c.4201C>T (p.Arg1401Trp)

Gene: ATRX (ATRX chromatin remodeler; minus strand). Cytogenetic location: Xq21.1.
Variant type: single nucleotide variant.
Coding change: c.4201C>T on transcript NM_000489.6 (MANE Select); coding-DNA position 4201, C replaced by T.
Protein change: p.Arg1401Trp; replaces arginine 1401 with tryptophan.
Molecular consequence: missense variant.
Genome position (GRCh38, 1-based): chrX:77,656,573, G>A on the plus strand (C>T on the coding strand, the complement: ATRX is on the minus strand). VCF-style: chrX-77656573-G-A. GRCh37 (hg19) VCF-style: chrX-76912063-G-A.
Other names: c.4201C>T (NM_000489.3); c.4087C>T, p.Arg1363Trp (NM_138270.5); short protein forms R1363W, R1401W.
Identifiers: ClinVar variation 1025717 (VCV001025717.19), dbSNP rs1557119999, ClinGen allele CA413710513.